The following is an entry in ClinVar:

NM_033266.4(ERN2):c.171A>T (p.Thr57=)

Gene: ERN2 (endoplasmic reticulum to nucleus signaling 2; minus strand). Cytogenetic location: 16p12.2.
Variant type: single nucleotide variant.
Coding change: c.171A>T on transcript NM_033266.4 (MANE Select); coding-DNA position 171, A replaced by T.
Protein change: p.Thr57=; no amino-acid change (threonine 57 retained).
Molecular consequence: synonymous variant.
Genome position (GRCh38, 1-based): chr16:23,710,941, T>A on the plus strand (A>T on the coding strand, the complement: ERN2 is on the minus strand). VCF-style: chr16-23710941-T-A. GRCh37 (hg19) VCF-style: chr16-23722262-T-A.
Other names: c.171A>T, p.Thr57= (NM_001308220.2).
Identifiers: ClinVar variation 3024691 (VCV003024691.22), dbSNP rs55780778, ClinGen allele CA7965672.

ClinVar aggregate classification (germline): Likely benign (1 of 4 stars; one submission).

Allele frequency attached by ClinVar (database versions not stated): ESP Exome Variant Server 0.00015; 1000 Genomes Project 30x 0.00016; 1000 Genomes Project 0.00020; ExAC 0.00024; gnomAD 0.00030; gnomAD exomes 0.00032; TOPMed 0.00037.
gnomAD v4.1: 532 of 1,614,076 alleles (0.033%); highest among the groups gnomAD compares: Admixed American, 0.05%; 2 homozygotes.

Submission:

CeGaT Center for Human Genetics Tuebingen
Classification: Likely benign. Last evaluated: 2024-02-01. Review status: criteria provided, single submitter. Criteria: CeGaT Center For Human Genetics Tuebingen Variant Classification Criteria Version 2. Collection method: clinical testing. Allele origin: germline. Affected: yes. Observed: 1 variant allele.
Comment: ERN2: BP4, BP7